The following is an entry in ClinVar:

NM_006662.3(SRCAP):c.4243A>G (p.Met1415Val)

Gene: SRCAP (Snf2 related CREBBP activator protein; plus strand). Cytogenetic location: 16p11.2.
Variant type: single nucleotide variant.
Coding change: c.4243A>G on transcript NM_006662.3 (MANE Select); coding-DNA position 4243, A replaced by G.
Protein change: p.Met1415Val; replaces methionine 1415 with valine.
Molecular consequence: missense variant.
Genome position (GRCh38, 1-based): chr16:30,723,667, A>G. VCF-style: chr16-30723667-A-G. GRCh37 (hg19) VCF-style: chr16-30734988-A-G.
Other names: short protein forms M1415V.
Identifiers: ClinVar variation 1418632 (VCV001418632.8), dbSNP rs140379834, ClinGen allele CA280513095.
Genomic context (GRCh38, chr16:30,723,667, plus strand): 5'-TTGACCATCTCTTCTCCTCTCCACGTGCCATCCTCCCTCCCTGGGCCAGCCTCTTCTCCA[A>G]TGCCAATTCCCAACTCCTCTCCCCTTGCTAGTCCTGTGTCCTCTACAGTCTCAGTTCCAT-3'
Protein context (NP_006653.2, residues 1405-1425): SSLPGPASSP[Met1415Val]PIPNSSPLAS

ClinVar aggregate classification (germline): Uncertain significance. Review status: criteria provided, multiple submitters, no conflicts (2 of 4 stars). 2 submissions from 2 submitters: Uncertain significance (2). Last evaluated 2024-12-19.

Conditions:
Developmental delay, hypotonia, musculoskeletal defects, and behavioral abnormalities. Identifiers: MedGen C5562012, MONDO:0859202, OMIM 619595.

Allele frequency attached by ClinVar (database versions not stated): ESP Exome Variant Server 0.00008.

Submissions (2):

Labcorp Genetics (formerly Invitae), Labcorp
Classification: Uncertain significance. Last evaluated: 2024-12-19. Review status: criteria provided, single submitter. Criteria: Invitae Variant Classification Sherloc (09022015). Collection method: clinical testing. Allele origin: germline.
Comment: This sequence change replaces methionine, which is neutral and non-polar, with valine, which is neutral and non-polar, at codon 1415 of the SRCAP protein (p.Met1415Val). The frequency data for this variant in the population databases is considered unreliable, as metrics indicate poor data quality at this position in the gnomAD database. This variant has not been reported in the literature in individuals affected with SRCAP-related conditions. ClinVar contains an entry for this variant (Variation ID: 1418632). Invitae Evidence Modeling of protein sequence and biophysical properties (such as structural, functional, and spatial information, amino acid conservation, physicochemical variation, residue mobility, and thermodynamic stability) indicates that this missense variant is not expected to disrupt SRCAP protein function with a negative predictive value of 80%. In summary, the available evidence is currently insufficient to determine the role of this variant in disease. Therefore, it has been classified as a Variant of Uncertain Significance.

Institute of Human Genetics, University Hospital of Duesseldorf
Classification: Uncertain significance for Developmental delay, hypotonia, musculoskeletal defects, and behavioral abnormalities. Review status: criteria provided, single submitter. Criteria: ACMG Guidelines, 2015. Collection method: not provided. Allele origin: germline. Inheritance: Autosomal dominant inheritance. Affected: yes.